The following is an entry in ClinVar:

NM_001130438.3(SPTAN1):c.862G>A (p.Ala288Thr)

Gene: SPTAN1 (spectrin alpha, non-erythrocytic 1; plus strand). Cytogenetic location: 9q34.11.
Variant type: single nucleotide variant.
Coding change: c.862G>A on transcript NM_001130438.3 (MANE Select); coding-DNA position 862, G replaced by A.
Protein change: p.Ala288Thr; replaces alanine 288 with threonine.
Molecular consequence: missense variant.
Genome position (GRCh38, 1-based): chr9:128,577,205, G>A. VCF-style: chr9-128577205-G-A. GRCh37 (hg19) VCF-style: chr9-131339484-G-A.
Other names: p.Ala288Thr; c.862G>A, p.Ala288Thr (NM_001195532.2, NM_001363759.2, NM_001363765.2 and 5 more transcripts); c.898G>A, p.Ala300Thr (NM_001375312.2, NM_001375318.1); short protein forms A288T, A300T.
Identifiers: ClinVar variation 2683067 (VCV002683067.1), dbSNP rs796053298, ClinGen allele CA375048630.

ClinVar aggregate classification (germline): Uncertain significance (1 of 4 stars; one submission).

Submission:

Mayo Clinic Laboratories, Mayo Clinic
Classification: Uncertain significance. Last evaluated: 2022-08-30. Review status: criteria provided, single submitter. Criteria: ACMG Guidelines, 2015. Collection method: clinical testing. Allele origin: germline. Observed: 1 variant allele.
Comment: PM2